The following is an entry in ClinVar:

NM_022765.4(MICAL1):c.2503C>T (p.Arg835Cys)

Gene: MICAL1 (microtubule associated monooxygenase, calponin and LIM domain containing 1; minus strand). Cytogenetic location: 6q21.
Variant type: single nucleotide variant.
Coding change: c.2503C>T on transcript NM_022765.4 (MANE Select); coding-DNA position 2503, C replaced by T.
Protein change: p.Arg835Cys; replaces arginine 835 with cysteine.
Molecular consequence: missense variant.
Genome position (GRCh38, 1-based): chr6:109,446,214, G>A on the plus strand (C>T on the coding strand, the complement: MICAL1 is on the minus strand). VCF-style: chr6-109446214-G-A. GRCh37 (hg19) VCF-style: chr6-109767417-G-A.
Other names: c.2245C>T, p.Arg749Cys (NM_001159291.2); c.2560C>T, p.Arg854Cys (NM_001286613.2); short protein forms R835C, R854C, R749C.
Identifiers: ClinVar variation 1967896 (VCV001967896.5), dbSNP rs765961719, ClinGen allele CA3952875.

ClinVar aggregate classification (germline): Uncertain significance (1 of 4 stars; one submission).

Allele frequency attached by ClinVar (database versions not stated): ExAC 0.00001.
gnomAD v4.1: 9 of 1,601,762 alleles (0.00056%); highest among the groups gnomAD compares: South Asian, 0.0011%; no homozygotes.

Submission:

Labcorp Genetics (formerly Invitae), Labcorp
Classification: Uncertain significance. Last evaluated: 2026-01-26. Review status: criteria provided, single submitter. Criteria: Invitae Variant Classification Sherloc (09022015). Collection method: clinical testing. Allele origin: germline.
Comment: This sequence change replaces arginine, which is basic and polar, with cysteine, which is neutral and slightly polar, at codon 854 of the MICAL1 protein (p.Arg854Cys). This variant is present in population databases (rs765961719, gnomAD 0.005%). This variant has not been reported in the literature in individuals affected with MICAL1-related conditions. ClinVar contains an entry for this variant (Variation ID: 1967896). An algorithm developed to predict the effect of missense changes on protein structure and function (PolyPhen-2) suggests that this variant is likely to be disruptive. In summary, the available evidence is currently insufficient to determine the role of this variant in disease. Therefore, it has been classified as a Variant of Uncertain Significance.